The following is an entry in ClinVar:

NM_000152.5(GAA):c.2456G>A (p.Arg819Gln)

Gene: GAA (alpha glucosidase; plus strand). Cytogenetic location: 17q25.3.
Variant type: single nucleotide variant.
Coding change: c.2456G>A on transcript NM_000152.5 (MANE Select); coding-DNA position 2456, G replaced by A.
Protein change: p.Arg819Gln; replaces arginine 819 with glutamine.
Molecular consequence: missense variant.
Genome position (GRCh38, 1-based): chr17:80,117,724, G>A. VCF-style: chr17-80117724-G-A. GRCh37 (hg19) VCF-style: chr17-78091523-G-A.
Other names: p.Arg819Gln; c.2456G>A (LRG_673t1); c.2456G>A, p.Arg819Gln (NM_001079803.3, NM_001079804.3); short protein forms R819Q.
Identifiers: ClinVar variation 456403 (VCV000456403.15), dbSNP rs374687883, ClinGen allele CA8815747.
Genomic context (GRCh38, chr17:80,117,724, plus strand): 5'-ACAGCGAGGGGCAGTGGGTGACGCTGCCGGCCCCCCTGGACACCATCAACGTCCACCTCC[G>A]GGCTGGGTACATCATCCCCCTGCAGGTACCTGGGCCAGGCGGCTATGGTGGGGGTGTGGA-3'
Protein context (NP_000143.2, residues 809-829): APLDTINVHL[Arg819Gln]AGYIIPLQGP

ClinVar aggregate classification (germline): Conflicting classifications of pathogenicity. Review status: criteria provided, conflicting classifications (1 of 4 stars). 4 submissions from 4 submitters: Likely pathogenic (2); Uncertain significance (1). 1 of the submissions does not count toward it. Last evaluated 2026-01-20.

Conditions:
Glycogen storage disease, type II (IOPD). Also called: Glucosidase acid-1,4-alpha deficiency; Pompe Disease; POMPE DISEASE, INFANTILE-ONSET; GLYCOGEN STORAGE DISEASE II, INFANTILE-ONSET; ACID ALPHA-GLUCOSIDASE DEFICIENCY, INFANTILE-ONSET; GAA DEFICIENCY, INFANTILE-ONSET. Identifiers: Orphanet 365, MedGen C0017921, MONDO:0009290, OMIM 232300.

Allele frequency attached by ClinVar (database versions not stated): TOPMed 0.00001; gnomAD exomes 0.00002; ExAC 0.00003; gnomAD 0.00005 and 0.00006; ESP Exome Variant Server 0.00008.
gnomAD v4.1: 23 of 1,611,050 alleles (0.0014%); highest among the groups gnomAD compares: African/African-American, 0.0093%; no homozygotes.

Submissions (4):

Labcorp Genetics (formerly Invitae), Labcorp
Classification: Likely pathogenic for Glycogen storage disease, type II. Last evaluated: 2026-01-20. Review status: criteria provided, single submitter. Criteria: Invitae Variant Classification Sherloc (09022015). Collection method: clinical testing. Allele origin: germline.
Comment: This sequence change replaces arginine, which is basic and polar, with glutamine, which is neutral and polar, at codon 819 of the GAA protein (p.Arg819Gln). This variant is present in population databases (rs374687883, gnomAD 0.01%). This missense change has been observed in individual(s) with Pompe disease (PMID: 30214072). ClinVar contains an entry for this variant (Variation ID: 456403). Invitae Evidence Modeling of protein sequence and biophysical properties (such as structural, functional, and spatial information, amino acid conservation, physicochemical variation, residue mobility, and thermodynamic stability) indicates that this missense variant is expected to disrupt GAA protein function with a positive predictive value of 95%. This variant disrupts the p.Arg819 amino acid residue in GAA. Other variant(s) that disrupt this residue have been determined to be pathogenic (PMID: 33741225; internal data). This suggests that this residue is clinically significant, and that variants that disrupt this residue are likely to be disease-causing. In summary, the currently available evidence indicates that the variant is pathogenic, but additional data are needed to prove that conclusively. Therefore, this variant has been classified as Likely Pathogenic.

Mayo Clinic Laboratories, Mayo Clinic
Classification: Uncertain significance. Last evaluated: 2024-05-20. Review status: criteria provided, single submitter. Criteria: ACMG Guidelines, 2015. Collection method: clinical testing. Allele origin: germline. Observed: 1 variant allele.
Comment: PP3, PM2, PM5

Fulgent Genetics
Classification: Likely pathogenic for Glycogen storage disease, type II. Last evaluated: 2024-04-16. Review status: criteria provided, single submitter. Criteria: ACMG Guidelines, 2015. Collection method: clinical testing. Allele origin: germline.

Natera, Inc.
Classification: Uncertain significance for Glycogen storage disease type II. Last evaluated: 2019-10-28. Review status: no assertion criteria provided. Collection method: clinical testing. Allele origin: germline. Not counted in ClinVar's aggregate classification.

Literature cited by the submitters: PubMed 30214072 (cited by Labcorp Genetics (formerly Invitae), Labcorp and Mayo Clinic Laboratories, Mayo Clinic); PubMed 33741225 (cited by Labcorp Genetics (formerly Invitae), Labcorp and Mayo Clinic Laboratories, Mayo Clinic); PubMed 22252923 (cited by Mayo Clinic Laboratories, Mayo Clinic); PubMed 22644586 (cited by Mayo Clinic Laboratories, Mayo Clinic).